The following is an entry in ClinVar:

ClinVar aggregate classification (germline): Benign (1 of 4 stars; one submission).

Allele frequency attached by ClinVar (database versions not stated): gnomAD exomes 0.04221; gnomAD 0.10915 and 0.10996; TOPMed 0.12019; 1000 Genomes Project 0.14956; 1000 Genomes Project 30x 0.15287.
gnomAD v4.1: 27,583 of 408,150 alleles (6.8%); highest among the groups gnomAD compares: African/African-American, 26%; 2,061 homozygotes.

Submission:

GeneDx
Classification: Benign. Last evaluated: 2018-06-16. Review status: criteria provided, single submitter. Criteria: GeneDx Variant Classification (06012015). Collection method: clinical testing. Allele origin: germline. Affected: yes.
Comment: This variant is considered likely benign or benign based on one or more of the following criteria: it is a conservative change, it occurs at a poorly conserved position in the protein, it is predicted to be benign by multiple in silico algorithms, and/or has population frequency not consistent with disease.

NM_015272.5(RPGRIP1L):c.1700-181G>A

Gene: RPGRIP1L (RPGRIP1 like; minus strand). Cytogenetic location: 16q12.2.
Variant type: single nucleotide variant.
Coding change: c.1700-181G>A on transcript NM_015272.5 (MANE Select); 181 bases into the intron before coding-DNA position 1700, G replaced by A.
Molecular consequence: intron variant.
Genome position (GRCh38, 1-based): chr16:53,653,168, C>T on the plus strand (G>A on the coding strand, the complement: RPGRIP1L is on the minus strand). VCF-style: chr16-53653168-C-T. GRCh37 (hg19) VCF-style: chr16-53687080-C-T.
Other names: c.1700-181G>A (NM_001127897.4, NM_001330538.2, NM_001308334.3).
Identifiers: ClinVar variation 673106 (VCV000673106.1), dbSNP rs9889127, ClinGen allele CA14327266.